The following is an entry in ClinVar:

NM_001008537.3(NEXMIF):c.2332_2333delinsTG (p.Glu778Trp)

Gene: NEXMIF (neurite extension and migration factor; minus strand). Cytogenetic location: Xq13.3.
Variant type: Indel.
Coding change: c.2332_2333delinsTG on transcript NM_001008537.3 (MANE Select); coding-DNA positions 2332 to 2333, GA replaced by TG.
Protein change: p.Glu778Trp; replaces glutamic acid 778 with tryptophan.
Molecular consequence: missense variant.
Genome position (GRCh38, 1-based): chrX:74,742,224-74,742,225, TC replaced by CA on the plus strand (GA replaced by TG on the coding strand, the reverse complement: NEXMIF is on the minus strand). VCF-style: chrX-74742224-TC-CA. GRCh37 (hg19) VCF-style: chrX-73962059-TC-CA.
Other names: short protein forms E778W.
Identifiers: ClinVar variation 521125 (VCV000521125.37), dbSNP rs1556016488, ClinGen allele CA658799800.

ClinVar aggregate classification (germline): Uncertain significance. Review status: criteria provided, multiple submitters, no conflicts (2 of 4 stars). 3 submissions from 3 submitters: Uncertain significance (3). Last evaluated 2022-04-01.

Conditions:
X-linked intellectual disability, Cantagrel type (XLID98). Also called: INTELLECTUAL DEVELOPMENTAL DISORDER, X-LINKED 98. Identifiers: Orphanet 85277, MedGen C3806730, MONDO:0010483, OMIM 300912.
Inborn genetic diseases. Identifiers: MedGen C0950123, MeSH D030342.

Submissions (3):

CeGaT Center for Human Genetics Tuebingen
Classification: Uncertain significance. Last evaluated: 2022-04-01. Review status: criteria provided, single submitter. Criteria: CeGaT Center For Human Genetics Tuebingen Variant Classification Criteria Version 2. Collection method: clinical testing. Allele origin: germline. Affected: yes. Observed: 1 variant allele.
Comment: NEXMIF: PM2

Revvity Omics, Revvity
Classification: Uncertain significance for X-linked intellectual disability, Cantagrel type. Last evaluated: 2021-06-16. Review status: criteria provided, single submitter. Criteria: ACMG Guidelines, 2015. Collection method: clinical testing. Allele origin: germline.

Ambry Genetics
Classification: Uncertain significance for Hereditary disease. Last evaluated: 2016-07-21. Review status: criteria provided, single submitter. Criteria: ambry_reporting_categories_2017. Collection method: clinical testing. Allele origin: germline. Affected: yes. Observed: 1 hemizygote. Segregation with disease observed.
Comment: Lines of evidence used in support of classification: UNCERTAIN: Alteration(s) of Uncertain Clinical Significance Detected

Literature cited by the submitters: PubMed 23615299 (cited by Ambry Genetics); PubMed 15466006 (cited by Ambry Genetics); PubMed 23352160 (cited by Ambry Genetics); PubMed 19524067 (cited by Ambry Genetics); PubMed 22531377 (cited by Ambry Genetics); PubMed 24307393 (cited by Ambry Genetics); PubMed 26576034 (cited by Ambry Genetics); PubMed 26290131 (cited by Ambry Genetics); PubMed 27358180 (cited by Ambry Genetics); PubMed 25900396 (cited by Ambry Genetics); PubMed 27568816 (cited by Ambry Genetics).